The following is an entry in ClinVar:

NM_001205293.3(CACNA1E):c.1588A>G (p.Met530Val)

Gene: CACNA1E (calcium voltage-gated channel subunit alpha1 E; plus strand). Cytogenetic location: 1q25.3.
Variant type: single nucleotide variant.
Coding change: c.1588A>G on transcript NM_001205293.3 (MANE Select); coding-DNA position 1588, A replaced by G.
Protein change: p.Met530Val; replaces methionine 530 with valine.
Molecular consequence: missense variant.
Genome position (GRCh38, 1-based): chr1:181,718,117, A>G. VCF-style: chr1-181718117-A-G. GRCh37 (hg19) VCF-style: chr1-181687253-A-G.
Other names: c.1588A>G, p.Met530Val (NM_000721.4, NM_001205294.2); short protein forms M530V.
Identifiers: ClinVar variation 2775727 (VCV002775727.3), dbSNP rs1294539736, ClinGen allele CA343625890.

ClinVar aggregate classification (germline): Uncertain significance (1 of 4 stars; one submission).

Allele frequency attached by ClinVar (database versions not stated): TOPMed below 0.00001; gnomAD 0.00001; gnomAD exomes below 0.00001.
gnomAD v4.1: 2 of 1,611,752 alleles (0.00012%); highest among the groups gnomAD compares: African/African-American, 0.0013%; no homozygotes.

Submission:

Labcorp Genetics (formerly Invitae), Labcorp
Classification: Uncertain significance. Last evaluated: 2025-04-16. Review status: criteria provided, single submitter. Criteria: Invitae Variant Classification Sherloc (09022015). Collection method: clinical testing. Allele origin: germline.
Comment: This sequence change replaces methionine, which is neutral and non-polar, with valine, which is neutral and non-polar, at codon 530 of the CACNA1E protein (p.Met530Val). This variant is not present in population databases (gnomAD no frequency). This variant has not been reported in the literature in individuals affected with CACNA1E-related conditions. ClinVar contains an entry for this variant (Variation ID: 2775727). Invitae Evidence Modeling of protein sequence and biophysical properties (such as structural, functional, and spatial information, amino acid conservation, physicochemical variation, residue mobility, and thermodynamic stability) has been performed for this missense variant. However, the output from this modeling did not meet the statistical confidence thresholds required to predict the impact of this variant on CACNA1E protein function. In summary, the available evidence is currently insufficient to determine the role of this variant in disease. Therefore, it has been classified as a Variant of Uncertain Significance.